The following is an entry in ClinVar:

ClinVar aggregate classification (germline): Pathogenic. Review status: criteria provided, single submitter (1 of 4 stars). 2 submissions from 2 submitters: Pathogenic (1). 1 of the submissions does not count toward it. Last evaluated 2021-02-05.

Conditions:
Breast-ovarian cancer, familial, susceptibility to, 1 (BROVCA1). Also called: OVARIAN CANCER, SUSCEPTIBILITY TO; BRCA1 Hereditary Breast and Ovarian Cancer. Identifiers: Orphanet 145, MedGen C2676676, MONDO:0011450, OMIM 604370. Disease mechanism: loss of function.
Hereditary breast ovarian cancer syndrome. Also called: Breast and ovarian cancer; Hereditary breast and/or ovarian cancer syndrome; Hereditary breast and ovarian cancer syndrome; BRCA1- and BRCA2-Associated Hereditary Breast and Ovarian Cancer; Hereditary breast and ovarian cancer; Hereditary breast and ovarian cancer syndrome (HBOC). Identifiers: Orphanet 145, MedGen C0677776, MeSH D061325, MONDO:0003582. Disease mechanism: loss of function.

Submissions (2):

Labcorp Genetics (formerly Invitae), Labcorp
Classification: Pathogenic for Hereditary breast ovarian cancer syndrome. Last evaluated: 2021-02-05. Review status: criteria provided, single submitter. Criteria: Invitae Variant Classification Sherloc (09022015). Collection method: clinical testing. Allele origin: germline.
Comment: For these reasons, this variant has been classified as Pathogenic. This variant has not been reported in the literature in individuals with BRCA1-related conditions. This variant is not present in population databases (ExAC no frequency). This sequence change creates a premature translational stop signal (p.Lys450Asnfs*3) in the BRCA1 gene. It is expected to result in an absent or disrupted protein product. Loss-of-function variants in BRCA1 are known to be pathogenic (PMID: 20104584).

CHARM Consortium
No classification provided. Condition: Breast-ovarian cancer, familial, susceptibility to, 1. Review status: no classification provided. Collection method: phenotyping only. Allele origin: germline. Affected: yes. Not counted in ClinVar's aggregate classification.

Literature cited by the submitters: PubMed 20104584 (cited by Labcorp Genetics (formerly Invitae), Labcorp).

NM_007294.4(BRCA1):c.1350del (p.Lys450fs)

Gene: BRCA1 (BRCA1 DNA repair associated; minus strand). Cytogenetic location: 17q21.31.
Variant type: Deletion.
Coding change: c.1350del on transcript NM_007294.4 (MANE Select); coding-DNA position 1350, one base deleted (A; older notation c.1350delA).
Protein change: p.Lys450fs; shifts the reading frame from lysine 450.
Molecular consequence: frameshift variant. On other transcripts: intron variant (137).
Genome position (GRCh38, 1-based): chr17:43,094,181, T deleted on the plus strand (A on the coding strand, the reverse complement: BRCA1 is on the minus strand); the first of 3 consecutive T bases (chr17:43,094,181-43,094,183); deleting any one gives the same sequence. VCF-style (leftmost placement, unchanged base first): chr17-43094180-AT-A. GRCh37 (hg19) VCF-style: chr17-41246197-AT-A.
Other names: c.1350del, p.Lys450fs (NM_001407623.1, NM_001407624.1, NM_001407625.1 and 30 more transcripts); c.1347del, p.Lys449fs (NM_001407627.1, NM_001407628.1, NM_001407629.1 and 22 more transcripts); c.1227del, p.Lys409fs (NM_001407669.1, NM_001407674.1, NM_001407675.1 and 19 more transcripts); c.1224del, p.Lys408fs (NM_001407670.1, NM_001407671.1, NM_001407672.1 and 11 more transcripts); c.1209del, p.Lys403fs (NM_001407738.1, NM_001407739.1, NM_001407750.1 and 29 more transcripts); c.1140del, p.Lys380fs (NM_001407885.1, NM_001407886.1, NM_001407887.1 and 13 more transcripts); c.1206del, p.Lys402fs (NM_001407740.1, NM_001407741.1, NM_001407742.1 and 20 more transcripts); c.1341del, p.Lys447fs (NM_001407646.1, NM_001407647.1); and 40 more; short protein forms K403fs, K450fs, K154fs, K339fs, K383fs, K409fs, K322fs, K338fs.
Identifiers: ClinVar variation 1457522 (VCV001457522.8), dbSNP rs2154456229, ClinGen allele CA2573154088.